The following is an entry in ClinVar:

NM_005458.8(GABBR2):c.1032C>G (p.Asn344Lys)

Gene: GABBR2 (gamma-aminobutyric acid type B receptor subunit 2; minus strand). Cytogenetic location: 9q22.33.
Variant type: single nucleotide variant.
Coding change: c.1032C>G on transcript NM_005458.8 (MANE Select); coding-DNA position 1032, C replaced by G.
Protein change: p.Asn344Lys; replaces asparagine 344 with lysine.
Molecular consequence: missense variant.
Genome position (GRCh38, 1-based): chr9:98,454,185, G>C on the plus strand (C>G on the coding strand, the complement: GABBR2 is on the minus strand). VCF-style: chr9-98454185-G-C. GRCh37 (hg19) VCF-style: chr9-101216467-G-C.
Other names: short protein forms N344K.
Identifiers: ClinVar variation 957561 (VCV000957561.9), dbSNP rs746569162, ClinGen allele CA5152815.

ClinVar aggregate classification (germline): Uncertain significance (1 of 4 stars; one submission).

Conditions:
Epileptic encephalopathy. Identifiers: MedGen C0543888, HP:0200134.

Allele frequency attached by ClinVar (database versions not stated): gnomAD exomes below 0.00001 and 0.00002; ExAC 0.00002; gnomAD 0.00002; TOPMed 0.00003.
gnomAD v4.1: 9 of 1,613,668 alleles (0.00056%); highest among the groups gnomAD compares: African/African-American, 0.008%; no homozygotes.

Submission:

Labcorp Genetics (formerly Invitae), Labcorp
Classification: Uncertain significance for Epileptic encephalopathy. Last evaluated: 2024-05-29. Review status: criteria provided, single submitter. Criteria: Invitae Variant Classification Sherloc (09022015). Collection method: clinical testing. Allele origin: germline.
Comment: This sequence change replaces asparagine, which is neutral and polar, with lysine, which is basic and polar, at codon 344 of the GABBR2 protein (p.Asn344Lys). This variant is present in population databases (rs746569162, gnomAD 0.02%). This variant has not been reported in the literature in individuals affected with GABBR2-related conditions. ClinVar contains an entry for this variant (Variation ID: 957561). Advanced modeling of protein sequence and biophysical properties (such as structural, functional, and spatial information, amino acid conservation, physicochemical variation, residue mobility, and thermodynamic stability) performed at Invitae indicates that this missense variant is not expected to disrupt GABBR2 protein function with a negative predictive value of 80%. In summary, the available evidence is currently insufficient to determine the role of this variant in disease. Therefore, it has been classified as a Variant of Uncertain Significance.